The following is an entry in ClinVar:

NM_014285.7(EXOSC2):c.830del (p.Met277fs)

Gene: EXOSC2 (exosome component 2; plus strand). Cytogenetic location: 9q34.12.
Variant type: Deletion.
Coding change: c.830del on transcript NM_014285.7 (MANE Select); coding-DNA position 830, one base deleted (T; older notation c.830delT).
Protein change: p.Met277fs; shifts the reading frame from methionine 277.
Molecular consequence: frameshift variant. On other transcripts: non-coding transcript variant (1).
Genome position (GRCh38, 1-based): chr9:130,703,722, T deleted. VCF-style (leftmost placement, unchanged base first): chr9-130703721-AT-A. GRCh37 (hg19) VCF-style: chr9-133579108-AT-A.
Other names: c.752del, p.Met251fs (NM_001282708.1); c.740del, p.Met247fs (NM_001282709.1); short protein forms M247fs, M251fs, M277fs.
Identifiers: ClinVar variation 1018499 (VCV001018499.4), dbSNP rs1257984475, ClinGen allele CA860462703.
Genomic context (GRCh38, chr9:130,703,721, plus strand): 5'-CTTTTCTGAACAAATGCCTTTTCCCTTTTTCAGATCAAAGACATCTTAAAGCCAGAAATA[AT>A]GGAGGAGATTGTGATGGAAACACGCCAGAGGCTTTTGGAACAGGAGGGATAAGGAGGTGC-3'

ClinVar aggregate classification (germline): Uncertain significance (1 of 4 stars; one submission).

Allele frequency attached by ClinVar (database versions not stated): gnomAD exomes below 0.00001; gnomAD 0.00001; TOPMed 0.00002.

Submission:

Labcorp Genetics (formerly Invitae), Labcorp
Classification: Uncertain significance. Last evaluated: 2022-07-12. Review status: criteria provided, single submitter. Criteria: Invitae Variant Classification Sherloc (09022015). Collection method: clinical testing. Allele origin: germline.
Comment: This sequence change creates a premature translational stop signal (p.Met277Argfs*5) in the EXOSC2 gene. While this is not anticipated to result in nonsense mediated decay, it is expected to disrupt the last 17 amino acid(s) of the EXOSC2 protein. This variant is not present in population databases (gnomAD no frequency). This variant has not been reported in the literature in individuals affected with EXOSC2-related conditions. ClinVar contains an entry for this variant (Variation ID: 1018499). Experimental studies and prediction algorithms are not available or were not evaluated, and the functional significance of this variant is currently unknown. In summary, the available evidence is currently insufficient to determine the role of this variant in disease. Therefore, it has been classified as a Variant of Uncertain Significance.